The following is an entry in ClinVar:

ClinVar aggregate classification (germline): Uncertain significance. Review status: criteria provided, multiple submitters, no conflicts (2 of 4 stars). 3 submissions from 3 submitters: Uncertain significance (3). Last evaluated 2026-04-02.

Conditions:
Inborn genetic diseases. Identifiers: MedGen C0950123, MeSH D030342.
Baller-Gerold syndrome (BGS). Also called: CRANIOSYNOSTOSIS WITH RADIAL DEFECTS. Identifiers: Orphanet 1225, MedGen C0265308, MONDO:0009039, OMIM 218600.

Allele frequency attached by ClinVar (database versions not stated): gnomAD exomes below 0.00001.

Submissions (3):

Dasa
Classification: Uncertain significance. Last evaluated: 2026-04-02. Review status: criteria provided, single submitter. Criteria: DASA Assertion Criteria. Collection method: clinical testing. Allele origin: germline.
Comment: NM_004260.4(RECQL4):c.1832C>T (p.Ser611Phe) is a missense variant that results in the substitution of serine with phenylalanine. This variant is rare in population databases. Computational prediction algorithms are consistent with a deleterious effect. The currently available literature and clinical evidence are not sufficient to establish a definitive association between this variant and the reported condition. Therefore, this variant is classified as a variant of uncertain significance.

Ambry Genetics
Classification: Uncertain significance for Inborn genetic diseases. Last evaluated: 2025-02-11. Review status: criteria provided, single submitter. Criteria: Ambry Variant Classification Scheme 2023. Collection method: clinical testing. Allele origin: germline.
Comment: The p.S611F variant (also known as c.1832C>T), located in coding exon 11 of the RECQL4 gene, results from a C to T substitution at nucleotide position 1832. The serine at codon 611 is replaced by phenylalanine, an amino acid with highly dissimilar properties. This amino acid position is conserved. In addition, this alteration is predicted to be deleterious by in silico analysis. Based on the available evidence, the clinical significance of this variant remains unclear.

Labcorp Genetics (formerly Invitae), Labcorp
Classification: Uncertain significance for Baller-Gerold syndrome. Last evaluated: 2023-06-05. Review status: criteria provided, single submitter. Criteria: Invitae Variant Classification Sherloc (09022015). Collection method: clinical testing. Allele origin: germline.
Comment: Algorithms developed to predict the effect of sequence changes on RNA splicing suggest that this variant may create or strengthen a splice site. In summary, the available evidence is currently insufficient to determine the role of this variant in disease. Therefore, it has been classified as a Variant of Uncertain Significance. Advanced modeling of protein sequence and biophysical properties (such as structural, functional, and spatial information, amino acid conservation, physicochemical variation, residue mobility, and thermodynamic stability) performed at Invitae indicates that this missense variant is expected to disrupt RECQL4 protein function. ClinVar contains an entry for this variant (Variation ID: 638973). This variant has not been reported in the literature in individuals affected with RECQL4-related conditions. This variant is present in population databases (rs766282231, gnomAD 0.0009%). This sequence change replaces serine, which is neutral and polar, with phenylalanine, which is neutral and non-polar, at codon 611 of the RECQL4 protein (p.Ser611Phe).

NM_004260.4(RECQL4):c.1832C>T (p.Ser611Phe)

Gene: RECQL4 (RecQ like helicase 4; minus strand). Cytogenetic location: 8q24.3.
Variant type: single nucleotide variant.
Coding change: c.1832C>T on transcript NM_004260.4 (MANE Select); coding-DNA position 1832, C replaced by T.
Protein change: p.Ser611Phe; replaces serine 611 with phenylalanine.
Molecular consequence: missense variant.
Genome position (GRCh38, 1-based): chr8:144,514,235, G>A on the plus strand (C>T on the coding strand, the complement: RECQL4 is on the minus strand). VCF-style: chr8-144514235-G-A. GRCh37 (hg19) VCF-style: chr8-145739619-G-A.
Other names: short protein forms S611F.
Identifiers: ClinVar variation 638973 (VCV000638973.8), dbSNP rs766282231, ClinGen allele CA187684932.